The following is an entry in ClinVar:

NM_001034853.2(RPGR):c.2086C>G (p.Leu696Val)

Gene: RPGR (retinitis pigmentosa GTPase regulator; minus strand). Cytogenetic location: Xp11.4.
Variant type: single nucleotide variant.
Coding change: c.2086C>G on transcript NM_001034853.2 (MANE Select); coding-DNA position 2086, C replaced by G.
Protein change: p.Leu696Val; replaces leucine 696 with valine.
Molecular consequence: missense variant. On other transcripts: intron variant (8).
Genome position (GRCh38, 1-based): chrX:38,286,913, G>C on the plus strand (C>G on the coding strand, the complement: RPGR is on the minus strand). VCF-style: chrX-38286913-G-C. GRCh37 (hg19) VCF-style: chrX-38146166-G-C.
Other names: c.1569+4046C>G (NM_001367249.1, NM_001367250.1); c.1902+181C>G (NM_001367245.1); c.1386+4046C>G (NM_001367251.1); c.1719+181C>G (NM_001367246.1); c.1572+4046C>G (NM_001367247.1); c.1905+181C>G (NM_000328.3); c.1602+4046C>G (NM_001367248.1); short protein forms L696V.
Identifiers: ClinVar variation 2743389 (VCV002743389.3), dbSNP rs2147199781, ClinGen allele CA412731485.

ClinVar aggregate classification (germline): Uncertain significance (1 of 4 stars; one submission).

Conditions:
Primary ciliary dyskinesia. Also called: Ciliary dyskinesia. Identifiers: Orphanet 244, MedGen C0008780, MONDO:0016575, HP:0012265.

Submission:

Labcorp Genetics (formerly Invitae), Labcorp
Classification: Uncertain significance for Primary ciliary dyskinesia. Last evaluated: 2023-09-14. Review status: criteria provided, single submitter. Criteria: Invitae Variant Classification Sherloc (09022015). Collection method: clinical testing. Allele origin: germline.
Comment: This sequence change replaces leucine, which is neutral and non-polar, with valine, which is neutral and non-polar, at codon 696 of the RPGR (ORF15) protein (p.Leu696Val). This variant is not present in population databases (gnomAD no frequency). This variant has not been reported in the literature in individuals affected with RPGR (ORF15)-related conditions. Advanced modeling of protein sequence and biophysical properties (such as structural, functional, and spatial information, amino acid conservation, physicochemical variation, residue mobility, and thermodynamic stability) performed at Invitae indicates that this missense variant is not expected to disrupt RPGR (ORF15) protein function. In summary, the available evidence is currently insufficient to determine the role of this variant in disease. Therefore, it has been classified as a Variant of Uncertain Significance.